The following is an entry in ClinVar:

NM_001194998.2(CEP152):c.*194G>A

Gene: CEP152 (centrosomal protein 152; minus strand). Cytogenetic location: 15q21.1.
Variant type: single nucleotide variant.
Coding change: c.*194G>A on transcript NM_001194998.2 (MANE Select); 194 bases downstream of the stop codon, G replaced by A.
Molecular consequence: 3 prime UTR variant.
Genome position (GRCh38, 1-based): chr15:48,738,055, C>T on the plus strand (G>A on the coding strand, the complement: CEP152 is on the minus strand). VCF-style: chr15-48738055-C-T. GRCh37 (hg19) VCF-style: chr15-49030252-C-T.
Other names: c.*194G>A (NM_014985.4).
Identifiers: ClinVar variation 316404 (VCV000316404.7), dbSNP rs144469727, ClinGen allele CA10646209.
Genomic context (GRCh38, chr15:48,738,055, plus strand): 5'-TAAGTATAAAAATAGATGGTTTAGAAACCAAAAATAAGCACCACACAAAAGCAGATTATA[C>T]ATACACCATCAGGCCTTTGGAATATTAAGGCAACATAAATATCTCAAGCAATTTTAGAAG-3'

ClinVar aggregate classification (germline): Benign/Likely benign. Review status: criteria provided, multiple submitters, no conflicts (2 of 4 stars). 3 submissions from 2 submitters: Benign (1); Likely benign (2). Last evaluated 2018-10-21.

Conditions:
Microcephaly 9, primary, autosomal recessive. Identifiers: Orphanet 2512, MedGen C3553886, MONDO:0013923, OMIM 614852.
Seckel syndrome 5 (SCKL5). Identifiers: Orphanet 808, MedGen C3151187, MONDO:0013443, OMIM 613823.

Allele frequency attached by ClinVar (database versions not stated): gnomAD exomes 0.00051; 1000 Genomes Project 0.00439; gnomAD 0.00448 and 0.00475; TOPMed 0.00487; 1000 Genomes Project 30x 0.00531.
gnomAD v4.1: 927 of 624,450 alleles (0.15%); highest among the groups gnomAD compares: African/African-American, 1.6%; 3 homozygotes.

Submissions (3):

GeneDx
Classification: Likely benign. Last evaluated: 2018-10-21. Review status: criteria provided, single submitter. Criteria: GeneDx Variant Classification Process June 2021. Collection method: clinical testing. Allele origin: germline. Affected: yes.

Illumina Laboratory Services, Illumina
Classification: Likely benign for Microcephaly 9, primary, autosomal recessive. Last evaluated: 2018-01-13. Review status: criteria provided, single submitter. Criteria: ICSL Variant Classification Criteria 13 December 2019. Collection method: clinical testing. Allele origin: germline.
Comment: This variant was observed in the ICSL laboratory as part of a predisposition screen in an ostensibly healthy population. It had not been previously curated by ICSL or reported in the Human Gene Mutation Database (HGMD: prior to June 1st, 2018), and was therefore a candidate for classification through an automated scoring system. Utilizing variant allele frequency, disease prevalence and penetrance estimates, and inheritance mode, an automated score was calculated to assess if this variant is too frequent to cause the disease. Based on the score and internal cut-off values, a variant classified as likely benign is not then subjected to further curation. The score for this variant resulted in a classification of likely benign for this disease.

Illumina Laboratory Services, Illumina
Classification: Benign for Seckel syndrome 5. Last evaluated: 2018-01-13. Review status: criteria provided, single submitter. Criteria: ICSL Variant Classification Criteria 13 December 2019. Collection method: clinical testing. Allele origin: germline.
Comment: This variant was observed in the ICSL laboratory as part of a predisposition screen in an ostensibly healthy population. It had not been previously curated by ICSL or reported in the Human Gene Mutation Database (HGMD: prior to June 1st, 2018), and was therefore a candidate for classification through an automated scoring system. Utilizing variant allele frequency, disease prevalence and penetrance estimates, and inheritance mode, an automated score was calculated to assess if this variant is too frequent to cause the disease. Based on the score and internal cut-off values, a variant classified as benign is not then subjected to further curation. The score for this variant resulted in a classification of benign for this disease.